The following is an entry in ClinVar:

ClinVar aggregate classification (germline): Uncertain significance (1 of 4 stars; one submission).

gnomAD v4.1: 7 of 1,614,042 alleles (0.00043%); highest among the groups gnomAD compares: Admixed American, 0.0017%; no homozygotes.

Submission:

Labcorp Genetics (formerly Invitae), Labcorp
Classification: Uncertain significance. Last evaluated: 2024-12-02. Review status: criteria provided, single submitter. Criteria: Invitae Variant Classification Sherloc (09022015). Collection method: clinical testing. Allele origin: germline.
Comment: This sequence change creates a premature translational stop signal (p.Arg708*) in the GPR179 gene. While this is not anticipated to result in nonsense mediated decay, it is expected to disrupt the last 1660 amino acid(s) of the GPR179 protein. This variant is not present in population databases (gnomAD no frequency). This variant has not been reported in the literature in individuals affected with GPR179-related conditions. Experimental studies and prediction algorithms are not available or were not evaluated, and the functional significance of this variant is currently unknown. In summary, the available evidence is currently insufficient to determine the role of this variant in disease. Therefore, it has been classified as a Variant of Uncertain Significance.

NM_001004334.4(GPR179):c.2122C>T (p.Arg708Ter)

Gene: GPR179 (G protein-coupled receptor 179; minus strand). Cytogenetic location: 17q12.
Variant type: single nucleotide variant.
Coding change: c.2122C>T on transcript NM_001004334.4 (MANE Select); coding-DNA position 2122, C replaced by T.
Protein change: p.Arg708Ter; replaces arginine 708 with a stop codon.
Molecular consequence: nonsense.
Genome position (GRCh38, 1-based): chr17:38,331,447, G>A on the plus strand (C>T on the coding strand, the complement: GPR179 is on the minus strand). VCF-style: chr17-38331447-G-A. GRCh37 (hg19) VCF-style: chr17-36487330-G-A.
Other names: short protein forms R708*.
Identifiers: ClinVar variation 3609414 (VCV003609414.2).